The following is an entry in ClinVar:

NM_000142.5(FGFR3):c.938G>A (p.Gly313Asp)

Gene: FGFR3 (fibroblast growth factor receptor 3; plus strand). Cytogenetic location: 4p16.3.
Variant type: single nucleotide variant.
Coding change: c.938G>A on transcript NM_000142.5 (MANE Select); coding-DNA position 938, G replaced by A.
Protein change: p.Gly313Asp; replaces glycine 313 with aspartic acid.
Molecular consequence: missense variant. On other transcripts: non-coding transcript variant (1), intron variant (2).
Genome position (GRCh38, 1-based): chr4:1,803,699, G>A. VCF-style: chr4-1803699-G-A. GRCh37 (hg19) VCF-style: chr4-1805426-G-A.
Other names: c.938G>A, p.Gly313Asp (NM_001354809.2, NM_001354810.2); c.1082-631G>A (NM_001163213.2); c.931-1125G>A (NM_022965.4); short protein forms G313D.
Identifiers: ClinVar variation 1698186 (VCV001698186.2), dbSNP rs1560426864, ClinGen allele CA355978035.

ClinVar aggregate classification (germline): Uncertain significance (1 of 4 stars; one submission).

Allele frequency attached by ClinVar (database versions not stated): gnomAD 0.00001.

Submission:

GeneDx
Classification: Uncertain significance. Last evaluated: 2022-01-21. Review status: criteria provided, single submitter. Criteria: GeneDx Variant Classification Process June 2021. Collection method: clinical testing. Allele origin: germline. Affected: yes.
Comment: Not observed at significant frequency in large population cohorts (gnomAD); In silico analysis supports that this missense variant does not alter protein structure/function; Has not been previously reported as a pathogenic or benign germline variant to our knowledge; This variant is associated with the following publications: (PMID: 28058595)